The following is an entry in ClinVar:

NM_006129.5(BMP1):c.208C>T (p.Gln70Ter)

Gene: BMP1 (bone morphogenetic protein 1; plus strand). Cytogenetic location: 8p21.3.
Variant type: single nucleotide variant.
Coding change: c.208C>T on transcript NM_006129.5 (MANE Select); coding-DNA position 208, C replaced by T.
Protein change: p.Gln70Ter; replaces glutamine 70 with a stop codon.
Molecular consequence: nonsense. On other transcripts: non-coding transcript variant (2).
Genome position (GRCh38, 1-based): chr8:22,173,661, C>T. VCF-style: chr8-22173661-C-T. GRCh37 (hg19) VCF-style: chr8-22031174-C-T.
Other names: c.208C>T, p.Gln70Ter (NM_001199.4); short protein forms Q70*.
Identifiers: ClinVar variation 445864 (VCV000445864.5), dbSNP rs1422817588, ClinGen allele CA370540755.
Genomic context (GRCh38, chr8:22,173,661, plus strand): 5'-GCTGCCTTTCTTGGGGACATTGCCCTGGACGAAGAGGACCTGAGGGCCTTCCAGGTACAG[C>T]AGGCTGTGGATCTCAGACGGCACACAGCTCGTAAGTCCTCCATCAAAGCTGCAGGTAAGC-3'

ClinVar aggregate classification (germline): Pathogenic/Likely pathogenic. Review status: criteria provided, multiple submitters, no conflicts (2 of 4 stars). 2 submissions from 2 submitters: Pathogenic (1); Likely pathogenic (1). Last evaluated 2023-12-09.

Allele frequency attached by ClinVar (database versions not stated): TOPMed 0.00001.

Submissions (2):

Labcorp Genetics (formerly Invitae), Labcorp
Classification: Pathogenic. Last evaluated: 2023-12-09. Review status: criteria provided, single submitter. Criteria: Invitae Variant Classification Sherloc (09022015). Collection method: clinical testing. Allele origin: germline.
Comment: This sequence change creates a premature translational stop signal (p.Gln70*) in the BMP1 gene. It is expected to result in an absent or disrupted protein product. Loss-of-function variants in BMP1 are known to be pathogenic (PMID: 25656619, 27576954, 28257626). This variant is not present in population databases (gnomAD no frequency). This variant has not been reported in the literature in individuals affected with BMP1-related conditions. ClinVar contains an entry for this variant (Variation ID: 445864). For these reasons, this variant has been classified as Pathogenic.

Center for Pediatric Genomic Medicine, Children's Mercy Hospital and Clinics
Classification: Likely pathogenic. Last evaluated: 2017-06-26. Review status: criteria provided, single submitter. Criteria: ACMG Guidelines, 2015. Collection method: clinical testing. Allele origin: germline.

Literature cited by the submitters: PubMed 25656619 (cited by Labcorp Genetics (formerly Invitae), Labcorp); PubMed 27576954 (cited by Labcorp Genetics (formerly Invitae), Labcorp); PubMed 28257626 (cited by Labcorp Genetics (formerly Invitae), Labcorp).